The following is an entry in ClinVar:

ClinVar aggregate classification (germline): Pathogenic (1 of 4 stars; one submission).

Submission:

Labcorp Genetics (formerly Invitae), Labcorp
Classification: Pathogenic. Last evaluated: 2025-08-26. Review status: criteria provided, single submitter. Criteria: Invitae Variant Classification Sherloc (09022015). Collection method: clinical testing. Allele origin: germline.
Comment: This sequence change creates a premature translational stop signal (p.Leu164Trpfs*54) in the GPR143 gene. It is expected to result in an absent or disrupted protein product. Loss-of-function variants in GPR143 are known to be pathogenic (PMID: 15965158, 18978956, 19390656, 21541274, 26160353, 28211458). This variant is not present in population databases (gnomAD no frequency). This variant has not been reported in the literature in individuals affected with GPR143-related conditions. For these reasons, this variant has been classified as Pathogenic.

Literature cited by the submitters: PubMed 15965158; PubMed 18978956; PubMed 19390656; PubMed 21541274; PubMed 26160353; PubMed 28211458.

NM_000273.3(GPR143):c.490del (p.Leu164fs)

Gene: GPR143 (G protein-coupled receptor 143; minus strand). Cytogenetic location: Xp22.2.
Variant type: Deletion.
Coding change: c.490del on transcript NM_000273.3 (MANE Select); coding-DNA position 490, one base deleted (C; older notation c.490delC).
Protein change: p.Leu164fs; shifts the reading frame from leucine 164.
Molecular consequence: frameshift variant.
Genome position (GRCh38, 1-based): chrX:9,748,632, G deleted on the plus strand (C on the coding strand, the reverse complement: GPR143 is on the minus strand); the first of 2 consecutive G bases (chrX:9,748,632-9,748,633); deleting either gives the same sequence. VCF-style (leftmost placement, unchanged base first): chrX-9748631-AG-A. GRCh37 (hg19) VCF-style: chrX-9716671-AG-A.
Other names: c.490del, p.Leu164fs (NM_001440781.1); short protein forms L164fs.
Identifiers: ClinVar variation 4726123 (VCV004726123.1).